The following is an entry in ClinVar:

NM_000918.4(P4HB):c.1417G>A (p.Gly473Ser)

Gene: P4HB (prolyl 4-hydroxylase subunit beta; minus strand). Cytogenetic location: 17q25.3.
Variant type: single nucleotide variant.
Coding change: c.1417G>A on transcript NM_000918.4 (MANE Select); coding-DNA position 1417, G replaced by A.
Protein change: p.Gly473Ser; replaces glycine 473 with serine.
Molecular consequence: missense variant.
Genome position (GRCh38, 1-based): chr17:81,845,173, C>T on the plus strand (G>A on the coding strand, the complement: P4HB is on the minus strand). VCF-style: chr17-81845173-C-T. GRCh37 (hg19) VCF-style: chr17-79803049-C-T.
Other names: short protein forms G473S.
Identifiers: ClinVar variation 3618819 (VCV003618819.2).

ClinVar aggregate classification (germline): Uncertain significance (1 of 4 stars; one submission).

gnomAD v4.1: 17 of 1,613,722 alleles (0.0011%); highest among the groups gnomAD compares: Middle Eastern, 0.016%; no homozygotes.

Submission:

Labcorp Genetics (formerly Invitae), Labcorp
Classification: Uncertain significance. Last evaluated: 2025-10-28. Review status: criteria provided, single submitter. Criteria: Invitae Variant Classification Sherloc (09022015). Collection method: clinical testing. Allele origin: germline.
Comment: This sequence change replaces glycine, which is neutral and non-polar, with serine, which is neutral and polar, at codon 473 of the P4HB protein (p.Gly473Ser). This variant is present in population databases (rs777486359, gnomAD 0.003%). This variant has not been reported in the literature in individuals affected with P4HB-related conditions. ClinVar contains an entry for this variant (Variation ID: 3618819). Invitae Evidence Modeling of protein sequence and biophysical properties (such as structural, functional, and spatial information, amino acid conservation, physicochemical variation, residue mobility, and thermodynamic stability) has been performed for this missense variant. However, the output from this modeling did not meet the statistical confidence thresholds required to predict the impact of this variant on P4HB protein function. In summary, the available evidence is currently insufficient to determine the role of this variant in disease. Therefore, it has been classified as a Variant of Uncertain Significance.